The following is an entry in ClinVar:

ClinVar aggregate classification (germline): Uncertain significance (1 of 4 stars; one submission).

gnomAD v4.1: 6 of 1,594,640 alleles (0.00038%); highest among the groups gnomAD compares: Non-Finnish European, 0.00043%; no homozygotes.

Submission:

Labcorp Genetics (formerly Invitae), Labcorp
Classification: Uncertain significance. Last evaluated: 2024-07-31. Review status: criteria provided, single submitter. Criteria: Invitae Variant Classification Sherloc (09022015). Collection method: clinical testing. Allele origin: germline.
Comment: This sequence change replaces lysine, which is basic and polar, with arginine, which is basic and polar, at codon 43 of the HGF protein (p.Lys43Arg). This variant is present in population databases (rs763623534, gnomAD 0.007%). This variant has not been reported in the literature in individuals affected with HGF-related conditions. An algorithm developed to predict the effect of missense changes on protein structure and function (PolyPhen-2) suggests that this variant is likely to be disruptive. In summary, the available evidence is currently insufficient to determine the role of this variant in disease. Therefore, it has been classified as a Variant of Uncertain Significance.

NM_000601.6(HGF):c.128A>G (p.Lys43Arg)

Gene: HGF (hepatocyte growth factor; minus strand). Cytogenetic location: 7q21.11.
Variant type: single nucleotide variant.
Coding change: c.128A>G on transcript NM_000601.6 (MANE Select); coding-DNA position 128, A replaced by G.
Protein change: p.Lys43Arg; replaces lysine 43 with arginine.
Molecular consequence: missense variant.
Genome position (GRCh38, 1-based): chr7:81,762,833, T>C on the plus strand (A>G on the coding strand, the complement: HGF is on the minus strand). VCF-style: chr7-81762833-T-C. GRCh37 (hg19) VCF-style: chr7-81392149-T-C.
Other names: c.128A>G, p.Lys43Arg (NM_001010931.3, NM_001010932.3, NM_001010933.3 and 1 more transcripts); short protein forms K43R.
Identifiers: ClinVar variation 3717142 (VCV003717142.1).